The following is an entry in ClinVar:

ClinVar aggregate classification (germline): Uncertain significance (1 of 4 stars; one submission).

Submission:

Labcorp Genetics (formerly Invitae), Labcorp
Classification: Uncertain significance. Last evaluated: 2022-07-09. Review status: criteria provided, single submitter. Criteria: Invitae Variant Classification Sherloc (09022015). Collection method: clinical testing. Allele origin: germline.
Comment: This sequence change replaces proline, which is neutral and non-polar, with serine, which is neutral and polar, at codon 1310 of the PTPN23 protein (p.Pro1310Ser). This variant is not present in population databases (gnomAD no frequency). This variant has not been reported in the literature in individuals affected with PTPN23-related conditions. Algorithms developed to predict the effect of missense changes on protein structure and function output the following: SIFT: "Deleterious"; PolyPhen-2: "Benign"; Align-GVGD: "Class C0". The serine amino acid residue is found in multiple mammalian species, which suggests that this missense change does not adversely affect protein function. In summary, the available evidence is currently insufficient to determine the role of this variant in disease. Therefore, it has been classified as a Variant of Uncertain Significance.

NM_015466.4(PTPN23):c.3928C>T (p.Pro1310Ser)

Gene: PTPN23 (protein tyrosine phosphatase non-receptor type 23; plus strand). Cytogenetic location: 3p21.31.
Variant type: single nucleotide variant.
Coding change: c.3928C>T on transcript NM_015466.4 (MANE Select); coding-DNA position 3928, C replaced by T.
Protein change: p.Pro1310Ser; replaces proline 1310 with serine.
Molecular consequence: missense variant.
Genome position (GRCh38, 1-based): chr3:47,411,822, C>T. VCF-style: chr3-47411822-C-T. GRCh37 (hg19) VCF-style: chr3-47453312-C-T.
Other names: c.3550C>T, p.Pro1184Ser (NM_001304482.2); short protein forms P1184S, P1310S.
Identifiers: ClinVar variation 1913857 (VCV001913857.5), dbSNP rs2546255880, ClinGen allele CA352564661.